The following is an entry in ClinVar:

NM_152269.5(MTRFR):c.473T>C (p.Leu158Pro)

Gene: MTRFR (mitochondrial translation release factor in rescue; plus strand). Cytogenetic location: 12q24.31.
Variant type: single nucleotide variant.
Coding change: c.473T>C on transcript NM_152269.5 (MANE Select); coding-DNA position 473, T replaced by C.
Protein change: p.Leu158Pro; replaces leucine 158 with proline.
Molecular consequence: missense variant.
Genome position (GRCh38, 1-based): chr12:123,257,003, T>C. VCF-style: chr12-123257003-T-C. GRCh37 (hg19) VCF-style: chr12-123741550-T-C.
Other names: c.473T>C, p.Leu158Pro (NM_001143905.2, NM_001194995.1); short protein forms L158P.
Identifiers: ClinVar variation 385611 (VCV000385611.2), dbSNP rs1057522273, ClinGen allele CA16607118.
Genomic context (GRCh38, chr12:123,257,003, plus strand): 5'-AACAAGAAAGGAAAAAAAGAGCAAAGGAAACCCTGGAAAAAAAGAAGCTACTTAAAGAAC[T>C]GTGGGAGTCAAGTAAAAAGGTCCACTGAGAAAAGAATTAGAGATTCCAACTGACAGAATC-3'
Protein context (NP_689482.1, residues 148-166): TLEKKKLLKE[Leu158Pro]WESSKKVH

ClinVar aggregate classification (germline): Uncertain significance (1 of 4 stars; one submission).

Submission:

GeneDx
Classification: Uncertain significance. Last evaluated: 2016-04-22. Review status: criteria provided, single submitter. Criteria: GeneDx Variant Classification (06012015). Collection method: clinical testing. Allele origin: germline. Affected: yes.
Comment: A variant of uncertain significance has been identified in the C12ORF65 gene. The L158P variant has not beenpublished as a pathogenic variant, nor has it been reported as a benign variant to our knowledge. It was not observedin approximately 6,500 individuals of European and African American ancestry in the NHLBI Exome SequencingProject, indicating it is not a common benign variant in these populations. The L158P variant is a semi-conservativeamino acid substitution, which may impact secondary protein structure as these residues differ in some properties.However, this substitution occurs at a position that is not conserved and in silico analysis is inconsistent in itspredictions as to whether or not the variant is damaging to the protein structure/function. To date, only loss offunction pathogenic variants have been reported in the Human Gene Mutation Database in association withC12ORF65-related disorders. Therefore, based on the currently available information, it is unclear whether thisvariant is a pathogenic variant or a rare benign variant.